The following is an entry in ClinVar:

NM_000038.6(APC):c.7946C>T (p.Pro2649Leu)

Gene: APC (APC regulator of Wnt signaling pathway; plus strand). Cytogenetic location: 5q22.2.
Variant type: single nucleotide variant.
Coding change: c.7946C>T on transcript NM_000038.6 (MANE Select); coding-DNA position 7946, C replaced by T.
Protein change: p.Pro2649Leu; replaces proline 2649 with leucine.
Molecular consequence: missense variant.
Genome position (GRCh38, 1-based): chr5:112,843,540, C>T. VCF-style: chr5-112843540-C-T. GRCh37 (hg19) VCF-style: chr5-112179237-C-T.
Other names: c.7946C>T, p.Pro2649Leu (NM_001127510.3, NM_001354895.2); c.7892C>T, p.Pro2631Leu (NM_001127511.3); c.8000C>T, p.Pro2667Leu (NM_001354896.2); c.7976C>T, p.Pro2659Leu (NM_001354897.2); c.7871C>T, p.Pro2624Leu (NM_001354898.2); c.7862C>T, p.Pro2621Leu (NM_001354899.2); c.7823C>T, p.Pro2608Leu (NM_001354900.2); c.7769C>T, p.Pro2590Leu (NM_001354901.2); and 5 more; short protein forms P2489L, P2608L, P2621L, P2624L, P2667L, P2548L, P2590L, P2659L.
Identifiers: ClinVar variation 955497 (VCV000955497.12), dbSNP rs1766608503, ClinGen allele CA16038589.

ClinVar aggregate classification (germline): Uncertain significance. Review status: criteria provided, multiple submitters, no conflicts (2 of 4 stars). 2 submissions from 2 submitters: Uncertain significance (2). Last evaluated 2024-08-15.

Conditions:
Desmoid disease, hereditary (DESMD). Also called: FIBROMATOSIS, FAMILIAL INFILTRATIVE. Identifiers: Orphanet 873, MedGen C1851124, OMIM 135290. Disease mechanism: loss of function.
Familial adenomatous polyposis 1 (FAP1). Also called: FAMILIAL ADENOMATOUS POLYPOSIS 1, ATTENUATED; POLYPOSIS, ADENOMATOUS INTESTINAL. Identifiers: MedGen C2713442, MONDO:0021056, OMIM 175100. Disease mechanism: loss of function.
Colorectal cancer. Also called: Colorectal cancer, somatic; Malignant Colorectal Neoplasm. Identifiers: MedGen C0346629, MONDO:0005575, OMIM 114500.
Gastric adenocarcinoma and proximal polyposis of the stomach (GAPPS). Also called: POLYPOSIS, GASTRIC; Polyposis, gastric, Dos Santos and de Magalhaes 1980; Gastric Adenocarcinoma and Proximal Polyposis of the Stomach (GAPPS). Identifiers: Orphanet 314022, MedGen C4749917, MONDO:0017790, OMIM 619182.
Hepatocellular carcinoma (HCC). Also called: HEPATOMA; LIVER CELL CARCINOMA; Primary carcinoma of liver. Identifiers: Orphanet 88673, MedGen C2239176, MONDO:0007256, OMIM 114550, HP:0001402.
Gastric cancer. Also called: Stomach cancer; Malignant tumor of stomach. Identifiers: MedGen C0024623, MeSH D013274, MONDO:0001056, OMIM 613659, HP:0012126.

Allele frequency attached by ClinVar (database versions not stated): gnomAD exomes below 0.00001.

Submissions (2):

Labcorp Genetics (formerly Invitae), Labcorp
Classification: Uncertain significance for Familial adenomatous polyposis 1. Last evaluated: 2024-08-15. Review status: criteria provided, single submitter. Criteria: Invitae Variant Classification Sherloc (09022015). Collection method: clinical testing. Allele origin: germline.
Comment: This sequence change replaces proline, which is neutral and non-polar, with leucine, which is neutral and non-polar, at codon 2649 of the APC protein (p.Pro2649Leu). This variant is not present in population databases (gnomAD no frequency). This missense change has been observed in individual(s) with biliary tract cancer (PMID: 36243179). ClinVar contains an entry for this variant (Variation ID: 955497). Invitae Evidence Modeling of protein sequence and biophysical properties (such as structural, functional, and spatial information, amino acid conservation, physicochemical variation, residue mobility, and thermodynamic stability) indicates that this missense variant is not expected to disrupt APC protein function with a negative predictive value of 95%. In summary, the available evidence is currently insufficient to determine the role of this variant in disease. Therefore, it has been classified as a Variant of Uncertain Significance.

Fulgent Genetics
Classification: Uncertain significance for Colorectal cancer; Hepatocellular carcinoma; Desmoid disease, hereditary; Familial adenomatous polyposis 1; Gastric cancer; Gastric adenocarcinoma and proximal polyposis of the stomach. Last evaluated: 2021-08-27. Review status: criteria provided, single submitter. Criteria: ACMG Guidelines, 2015. Collection method: clinical testing. Allele origin: unknown.

Literature cited by the submitters: PubMed 36243179 (cited by Labcorp Genetics (formerly Invitae), Labcorp).